The following is an entry in ClinVar:

NM_032578.4(MYPN):c.2229G>A (p.Pro743=)

Gene: MYPN (myopalladin; plus strand). Cytogenetic location: 10q21.3.
Variant type: single nucleotide variant.
Coding change: c.2229G>A on transcript NM_032578.4 (MANE Select); coding-DNA position 2229, G replaced by A.
Protein change: p.Pro743=; no amino-acid change (proline 743 retained).
Molecular consequence: synonymous variant. On other transcripts: non-coding transcript variant (2).
Genome position (GRCh38, 1-based): chr10:68,174,321, G>A. VCF-style: chr10-68174321-G-A. GRCh37 (hg19) VCF-style: chr10-69934078-G-A.
Other names: c.2229G>A, p.Pro743= (NM_001256267.2); c.1347G>A, p.Pro449= (NM_001256268.2).
Identifiers: ClinVar variation 518040 (VCV000518040.22), dbSNP rs148360410, ClinGen allele CA5522755.
Genomic context (GRCh38, chr10:68,174,321, plus strand): 5'-GAAGTATTTCTTCCCCTCCACGAACACCACCGCAGCAACTGTGGCCCCTTCCAGCTCTCC[G>A]GTGTTCACTTTGAGCAGCACTCCTCAAACTATTCAGAGGACAGTGAGCAAAGAAAGCCTC-3'
Protein context (NP_115967.2, residues 733-753): TAATVAPSSS[Pro743=]VFTLSSTPQT

ClinVar aggregate classification (germline): Likely benign. Review status: criteria provided, multiple submitters, no conflicts (2 of 4 stars). 7 submissions from 7 submitters: Likely benign (5). 2 of the submissions do not count toward it. Last evaluated 2025-12-03.

Conditions:
Cardiovascular phenotype. Identifiers: MedGen CN230736.
Dilated cardiomyopathy 1KK (CMD1KK). Identifiers: Orphanet 154, Orphanet 75249, MedGen C3714995, MONDO:0014100, OMIM 615248.
MYPN-related disorder. Also called: MYPN-related condition.

Allele frequency attached by ClinVar (database versions not stated): TOPMed 0.00011; gnomAD 0.00022; 1000 Genomes Project 30x 0.00031; ESP Exome Variant Server 0.00038; 1000 Genomes Project 0.00040.
gnomAD v4.1: 102 of 1,614,030 alleles (0.0063%); highest among the groups gnomAD compares: African/African-American, 0.029%; no homozygotes.

Submissions (7):

Labcorp Genetics (formerly Invitae), Labcorp
Classification: Likely benign for Dilated cardiomyopathy 1KK. Last evaluated: 2025-12-03. Review status: criteria provided, single submitter. Criteria: Invitae Variant Classification Sherloc (09022015). Collection method: clinical testing. Allele origin: germline.

CeGaT Center for Human Genetics Tuebingen
Classification: Likely benign. Last evaluated: 2025-12-01. Review status: criteria provided, single submitter. Criteria: CeGaT Center For Human Genetics Tuebingen Variant Classification Criteria Version 2. Collection method: clinical testing. Allele origin: germline. Affected: yes. Observed: 1 variant allele.
Comment: MYPN: BP4, BP7

PreventionGenetics, part of Exact Sciences
Classification: Likely benign for MYPN-related condition. Last evaluated: 2025-07-29. Review status: criteria provided, single submitter. Criteria: ACMG Guidelines, 2015. Collection method: clinical testing. Allele origin: germline.
Comment: This variant is classified as likely benign based on ACMG/AMP sequence variant interpretation guidelines (Richards et al. 2015 PMID: 25741868, with internal and published modifications).

Ambry Genetics
Classification: Likely benign for Cardiovascular phenotype. Last evaluated: 2019-01-07. Review status: criteria provided, single submitter. Criteria: Ambry Variant Classification Scheme 2023. Collection method: clinical testing. Allele origin: germline.

GeneDx
Classification: Likely benign. Last evaluated: 2017-06-20. Review status: criteria provided, single submitter. Criteria: GeneDx Variant Classification (06012015). Collection method: clinical testing. Allele origin: germline. Affected: yes.
Comment: This variant is considered likely benign or benign based on one or more of the following criteria: it is a conservative change, it occurs at a poorly conserved position in the protein, it is predicted to be benign by multiple in silico algorithms, and/or has population frequency not consistent with disease.

Clinical Genetics DNA and cytogenetics Diagnostics Lab, Erasmus MC, Erasmus Medical Center
Classification: Likely benign. Review status: no assertion criteria provided. Collection method: clinical testing. Allele origin: germline. Affected: yes. Study: VKGL Data-share Consensus. Not counted in ClinVar's aggregate classification.

Clinical Genetics, Academic Medical Center
Classification: Benign. Review status: no assertion criteria provided. Collection method: clinical testing. Allele origin: germline. Affected: yes. Study: VKGL Data-share Consensus. Not counted in ClinVar's aggregate classification.